The following is an entry in ClinVar:

ClinVar aggregate classification (germline): Pathogenic/Likely pathogenic. Review status: criteria provided, multiple submitters, no conflicts (2 of 4 stars). 10 submissions from 10 submitters: Pathogenic (6); Likely pathogenic (3). 1 of the submissions does not count toward it. Last evaluated 2026-07-01.

Conditions:
ALPL-related disorder. Also called: ALPL-related condition; ALPL-related disorders.
Adult hypophosphatasia. Identifiers: Orphanet 247676, Orphanet 436, MedGen C0268413, MONDO:1010154, OMIM 146300, MONDO:0007798.
Childhood hypophosphatasia. Identifiers: Orphanet 247667, Orphanet 436, MedGen C0220743, MONDO:1010168, OMIM 241510, MONDO:0009428.
Infantile hypophosphatasia. Identifiers: Orphanet 247651, Orphanet 436, MedGen C0268412, MONDO:1010169, OMIM 241500, MONDO:0009427.
Hypophosphatasia. Also called: Phosphoethanol-aminuria. Identifiers: Orphanet 436, MedGen C0020630, MeSH D007014, MONDO:0018570.

Allele frequency attached by ClinVar (database versions not stated): ExAC 0.00001; gnomAD 0.00001; TOPMed 0.00001.
gnomAD v4.1: 11 of 1,614,022 alleles (0.00068%); highest among the groups gnomAD compares: Non-Finnish European, 0.00093%; no homozygotes.

Submissions (10):

CeGaT Center for Human Genetics Tuebingen
Classification: Pathogenic. Last evaluated: 2026-07-01. Review status: criteria provided, single submitter. Criteria: CeGaT Center For Human Genetics Tuebingen Variant Classification Criteria Version 2. Collection method: clinical testing. Allele origin: germline. Affected: yes. Observed: 1 variant allele.
Comment: ALPL: PS4, PM2, PM5:Supporting, PP1, PP4, PS3:Supporting

Labcorp Genetics (formerly Invitae), Labcorp
Classification: Pathogenic. Last evaluated: 2026-01-23. Review status: criteria provided, single submitter. Criteria: Invitae Variant Classification Sherloc (09022015). Collection method: clinical testing. Allele origin: germline.
Comment: This sequence change replaces alanine, which is neutral and non-polar, with valine, which is neutral and non-polar, at codon 40 of the ALPL protein (p.Ala40Val). This variant is present in population databases (rs770093969, gnomAD 0.0009%). This missense change has been observed in individual(s) with hypophosphatasia (PMID: 11438998, 15660230, 22397652, 24276437). In at least one individual the data is consistent with being in trans (on the opposite chromosome) from a pathogenic variant. This variant is also known as Ala23Val. ClinVar contains an entry for this variant (Variation ID: 975919). Invitae Evidence Modeling of protein sequence and biophysical properties (such as structural, functional, and spatial information, amino acid conservation, physicochemical variation, residue mobility, and thermodynamic stability) indicates that this missense variant is expected to disrupt ALPL protein function with a positive predictive value of 95%. Experimental studies have shown that this missense change affects ALPL function (PMID: 10332035). For these reasons, this variant has been classified as Pathogenic.

Genomenon, Inc
Classification: Pathogenic for Hypophosphatasia. Last evaluated: 2025-08-29. Review status: criteria provided, single submitter. Criteria: Genomenon Sequence Variant Interpretation Standards. Collection method: curation. Allele origin: germline. Affected: yes.
Comment: ALPL c.119C>T is a missense variant that changes the amino acid at residue 40 from Alanine to Valine. This variant has been observed in multiple probands affected with hypophosphatasia (PMID:24276437;32973344;29236161;33101980;33299629;32811521;15660230;9781036;10679946;11438998). It has been observed in trans with a pathogenic variant (PMID:11438998). At least one functional study has demonstrated a substantial alteration in protein function relative to the wild-type (PMID:10332035;10679946). This variant is also reported as Ala23Val in the literature. It is absent or not present at a significant frequency in gnomAD. In conclusion, we classify ALPL p.Ala40Val (c.119C>T) as a pathogenic variant.

Women's Health and Genetics/Laboratory Corporation of America, LabCorp
Classification: Pathogenic for Hypophosphatasia. Last evaluated: 2025-03-03. Review status: criteria provided, single submitter. Criteria: LabCorp Variant Classification Summary - May 2015. Collection method: clinical testing. Allele origin: germline.
Comment: Variant summary: ALPL c.119C>T (p.Ala40Val) results in a non-conservative amino acid change in the encoded protein sequence. Three of five in-silico tools predict a damaging effect of the variant on protein function. The variant allele was found at a frequency of 1.2e-05 in 251466 control chromosomes (gnomAD). c.119C>T has been reported in the literature in multiple individuals affected with Hypophosphatasia in the compound heterozygous state (e.g. Mornet_1998, Taillandier_2000, Taillandier_2001, Whyte_2012, Taketani_2014). It was also found in several patients in the heterozygous state without another variant found (e.g. Taillandier_2018, Glotov_2022, Schmidt_2023, Hennings_2024). These data indicate that the variant is very likely to be associated with disease. At least one publication reports experimental evidence evaluating an impact on protein function. The most pronounced variant effect results in <10% of normal activity (Zurutuza_1999). The following publications have been ascertained in the context of this evaluation (PMID: 24276437, 9781036, 11438998, 10679946, 22397652, 10332035, 39685776, 28401263, 36361766, 29236161, 37147467). ClinVar contains an entry for this variant (Variation ID: 975919). Based on the evidence outlined above, this variant was classified as pathogenic for Hypophosphatasia, Autosomal Recessive and Hypophosphatasia, Autosomal Dominant.

GeneDx
Classification: Likely pathogenic. Last evaluated: 2024-12-30. Review status: criteria provided, single submitter. Criteria: GeneDx Variant Classification Process June 2021. Collection method: clinical testing. Allele origin: germline. Affected: yes.
Comment: Published functional studies demonstrate a damaging effect on enzymatic activity (PMID: 32160374); In silico analysis supports that this missense variant has a deleterious effect on protein structure/function; Not observed at significant frequency in large population cohorts (gnomAD); Also known as Ala23Val; This variant is associated with the following publications: (PMID: 29236161, 24276437, 33101980, 33299629, 22397652, 36361766, 15660230, 11438998, 32811521, 10332035, 32160374, 9781036, 10679946)

Natera, Inc.
Classification: Pathogenic for Hypophosphatasia. Last evaluated: 2024-11-03. Review status: criteria provided, single submitter. Criteria: Natera Variant Classification Schema (03/2026). Collection method: clinical testing. Allele origin: germline.
Comment: The c.119C>T variant in ALPL is a missense variant predicted to cause substitution of alanine to valine at amino acid 40. This variant is rare in the general population with a frequency below the threshold expected for the associated phenotype(s). This variant has been observed in one or more individuals affected with the associated recessive disease, as either homozygous or compound heterozygous with a second variant (PMID: 33299629, 11438998, 32811521, 22397652, 29774402, 32160374). Functional studies show that this variant may disrupt protein function (PMID: 11479741, 10332035). Given the available evidence, this variant is classified as Pathogenic.

Fulgent Genetics
Classification: Pathogenic for Adult hypophosphatasia; Infantile hypophosphatasia; Childhood hypophosphatasia. Last evaluated: 2024-04-24. Review status: criteria provided, single submitter. Criteria: ACMG Guidelines, 2015. Collection method: clinical testing. Allele origin: germline.

Baylor Genetics
Classification: Likely pathogenic for Adult hypophosphatasia. Last evaluated: 2023-09-19. Review status: criteria provided, single submitter. Criteria: ACMG Guidelines, 2015. Collection method: clinical testing. Allele origin: unknown.

Institute of Human Genetics, University of Leipzig Medical Center
Classification: Likely pathogenic for Adult hypophosphatasia. Last evaluated: 2022-11-17. Review status: criteria provided, single submitter. Criteria: ACMG Guidelines, 2015. Collection method: clinical testing. Allele origin: unknown. Affected: yes.
Comment: _x000D_ Criteria applied: PS4_MOD, PS3_SUP, PM2_SUP, PM5_SUP, PP3

PreventionGenetics, part of Exact Sciences
Classification: Pathogenic for ALPL-related condition. Last evaluated: 2024-04-12. Review status: no assertion criteria provided. Collection method: clinical testing. Allele origin: germline. Not counted in ClinVar's aggregate classification.
Comment: The ALPL c.119C>T variant is predicted to result in the amino acid substitution p.Ala40Val. This variant in the compound heterozygous condition was reported to be causative for lethal hypophosphatasia or childhood hypophosphatasia (reported as p.A23V, Mornet et al. 1998. PubMed ID: 9781036; Taillandier et al. 2001. PubMed ID: 11438998, Michigami et al. 2005. PubMed ID: 15660230; Zarei. 2020. PubMed ID: 33299629; Huggins et al. 2020. PubMed ID: 33101980). This variant in the heterozygous condition was reported in at least one adult with persistent hypophosphatasemia (McKiernan et al. 2017. PubMed ID: 28401263). This variant is reported in 0.0026% of alleles in individuals of European (Non-Finnish) descent in gnomAD. This variant is interpreted as pathogenic.

Literature cited by the submitters: PubMed 11438998 (cited by 4 submitters); PubMed 15660230 (cited by Labcorp Genetics (formerly Invitae), Labcorp and Genomenon, Inc); PubMed 22397652 (cited by 3 submitters); PubMed 24276437 (cited by 3 submitters); PubMed 10332035 (cited by 4 submitters); PubMed 32973344 (cited by Genomenon, Inc); PubMed 29236161 (cited by Genomenon, Inc and Women's Health and Genetics/Laboratory Corporation of America, LabCorp); PubMed 33101980 (cited by Genomenon, Inc); PubMed 33299629 (cited by Genomenon, Inc and Natera, Inc.); PubMed 32811521 (cited by Genomenon, Inc and Natera, Inc.); PubMed 9781036 (cited by Genomenon, Inc and Women's Health and Genetics/Laboratory Corporation of America, LabCorp); PubMed 10679946 (cited by Genomenon, Inc and Women's Health and Genetics/Laboratory Corporation of America, LabCorp); PubMed 28401263 (cited by Women's Health and Genetics/Laboratory Corporation of America, LabCorp); PubMed 36361766 (cited by Women's Health and Genetics/Laboratory Corporation of America, LabCorp); PubMed 39685776 (cited by Women's Health and Genetics/Laboratory Corporation of America, LabCorp); PubMed 37147467 (cited by Women's Health and Genetics/Laboratory Corporation of America, LabCorp); PubMed 29774402 (cited by Natera, Inc.); PubMed 32160374 (cited by Natera, Inc.); PubMed 11479741 (cited by Natera, Inc.).

NM_000478.6(ALPL):c.119C>T (p.Ala40Val)

Gene: ALPL (alkaline phosphatase, biomineralization associated; plus strand). Cytogenetic location: 1p36.12.
Variant type: single nucleotide variant.
Coding change: c.119C>T on transcript NM_000478.6 (MANE Select); coding-DNA position 119, C replaced by T.
Protein change: p.Ala40Val; replaces alanine 40 with valine.
Molecular consequence: missense variant. On other transcripts: 5 prime UTR variant (1).
Genome position (GRCh38, 1-based): chr1:21,560,683, C>T. VCF-style: chr1-21560683-C-T. GRCh37 (hg19) VCF-style: chr1-21887176-C-T.
Other names: c.-47C>T (NM_001127501.4); c.4C>T, p.Pro2Ser (NM_001177520.3); c.119C>T, p.Ala40Val (NM_001369803.2, NM_001369804.2, NM_001369805.2); short protein forms A40V, P2S.
Identifiers: ClinVar variation 975919 (VCV000975919.23), dbSNP rs770093969, ClinGen allele CA666401.